The following is an entry in ClinVar:

NM_001276345.2(TNNT2):c.812T>G (p.Ile271Ser)

Gene: TNNT2 (troponin T2, cardiac type; minus strand). Cytogenetic location: 1q32.1.
Variant type: single nucleotide variant.
Coding change: c.812T>G on transcript NM_001276345.2 (MANE Select); coding-DNA position 812, T replaced by G.
Protein change: p.Ile271Ser; replaces isoleucine 271 with serine.
Molecular consequence: missense variant.
Genome position (GRCh38, 1-based): chr1:201,359,662, A>C on the plus strand (T>G on the coding strand, the complement: TNNT2 is on the minus strand). VCF-style: chr1-201359662-A-C. GRCh37 (hg19) VCF-style: chr1-201328790-A-C.
Other names: c.803T>G, p.Ile268Ser (NM_000364.4); c.782T>G, p.Ile261Ser (NM_001001430.3, NM_001276347.2); c.773T>G, p.Ile258Ser (NM_001001431.3); c.764T>G, p.Ile255Ser (NM_001001432.3); c.683T>G, p.Ile228Ser (NM_001276346.2); short protein forms I228S, I255S, I271S, I268S, I258S, I261S.
Identifiers: ClinVar variation 922494 (VCV000922494.5), dbSNP rs371384395, ClinGen allele CA344202467.
Genomic context (GRCh38, chr1:201,359,662, plus strand): 5'-AGAATGACCTCAGACACTTACACTTTCTGGTTATCGTTGATCCTGTTTCGGAGAACATTG[A>C]TCTGCAAGAAAAGTGGGAAGGACAAAGAGCAACGCTGGAGCTGACTGGCTCAGGTCCCAG-3'
Protein context (NP_001263274.1, residues 261-281): QEKFKQQKYE[Ile271Ser]NVLRNRINDN

ClinVar aggregate classification (germline): Uncertain significance. Review status: criteria provided, multiple submitters, no conflicts (2 of 4 stars). 5 submissions from 3 submitters: Uncertain significance (5). Last evaluated 2023-04-11.

Conditions:
Hypertrophic cardiomyopathy 2. Also called: TNNT2-Related Familial Hypertrophic Cardiomyopathy. Identifiers: MedGen C1861864, MONDO:0007266, OMIM 115195.
Dilated cardiomyopathy 1D. Identifiers: Orphanet 154, Orphanet 54260, MedGen C1832243, MONDO:0011095, OMIM 601494.
Cardiomyopathy, familial restrictive, 3. Identifiers: Orphanet 75249, MedGen C2676271, MONDO:0012900, OMIM 612422.
Cardiomyopathy (CMYO). Also called: Cardiomyopathies. Identifiers: Orphanet 167848, MedGen C0878544, MONDO:0004994, HP:0001638. Inheritance: Various modes of inheritance.

Submissions (5):

Genome-Nilou Lab
Classification: Uncertain significance for Dilated cardiomyopathy 1D. Last evaluated: 2023-04-11. Review status: criteria provided, single submitter. Criteria: ACMG Guidelines, 2015. Collection method: clinical testing. Allele origin: germline. Affected: no.

Genome-Nilou Lab
Classification: Uncertain significance for Cardiomyopathy, familial restrictive, 3. Last evaluated: 2023-04-11. Review status: criteria provided, single submitter. Criteria: ACMG Guidelines, 2015. Collection method: clinical testing. Allele origin: germline. Affected: no.

Genome-Nilou Lab
Classification: Uncertain significance for Hypertrophic cardiomyopathy 2. Last evaluated: 2023-04-11. Review status: criteria provided, single submitter. Criteria: ACMG Guidelines, 2015. Collection method: clinical testing. Allele origin: germline. Affected: no.

Fulgent Genetics
Classification: Uncertain significance for Hypertrophic cardiomyopathy 2; Dilated cardiomyopathy 1D; Cardiomyopathy, familial restrictive, 3. Last evaluated: 2021-08-10. Review status: criteria provided, single submitter. Criteria: ACMG Guidelines, 2015. Collection method: clinical testing. Allele origin: unknown.

Color Diagnostics, LLC DBA Color Health
Classification: Uncertain significance for Cardiomyopathy. Last evaluated: 2019-01-09. Review status: criteria provided, single submitter. Criteria: ACMG Guidelines, 2015. Collection method: clinical testing. Allele origin: germline.
Comment: Variant of Uncertain Significance due to insufficient evidence: This variant is located in the tropomyosin binding domain 2 of the TNNT2 protein. Computational prediction tools and conservation analyses suggest that this variant may have deleterious impact on the protein function. Computational splicing tools suggest that this variant may not impact RNA splicing. To our knowledge, functional assays have not been performed for this variant nor has this variant been reported in individuals affected with cardiovascular disorders in the literature. This variant is rare in the general population and has been identified in 0/277264 chromosomes by the Genome Aggregation Database (gnomAD). Available evidence is insufficient to determine the role of this variant in disease conclusively.